The following is an entry in ClinVar:

ClinVar aggregate classification (germline): Likely pathogenic (1 of 4 stars; one submission).

Conditions:
Charlevoix-Saguenay spastic ataxia (SACS). Also called: AUTOSOMAL RECESSIVE SPASTIC ATAXIA OF CHARLEVOIX-SAGUENAY; Spastic ataxia of Charlevoix-Saguenay; SPASTIC ATAXIA 6, AUTOSOMAL RECESSIVE. Identifiers: Orphanet 98, MedGen C1849140, MONDO:0010041, OMIM 270550.

Submission:

Kariminejad - Najmabadi Pathology & Genetics Center
Classification: Likely pathogenic for Charlevoix-Saguenay spastic ataxia. Last evaluated: 2022-07-07. Review status: criteria provided, single submitter. Criteria: ACMG Guidelines, 2015. Collection method: clinical testing. Allele origin: germline. Inheritance: Autosomal recessive inheritance. Affected: yes.
Comment: PVS1-PM2

NM_014363.6(SACS):c.2093+2T>A

Gene: SACS (sacsin molecular chaperone; minus strand). Cytogenetic location: 13q12.12.
Variant type: single nucleotide variant.
Coding change: c.2093+2T>A on transcript NM_014363.6 (MANE Select); the canonical splice donor site of the intron after coding-DNA position 2093, T replaced by A.
Molecular consequence: splice donor variant.
Genome position (GRCh38, 1-based): chr13:23,354,517, A>T on the plus strand (T>A on the coding strand, the complement: SACS is on the minus strand). VCF-style: chr13-23354517-A-T. GRCh37 (hg19) VCF-style: chr13-23928656-A-T.
Other names: c.1652+2T>A (NM_001278055.2).
Identifiers: ClinVar variation 3896978 (VCV003896978.1).